The following is an entry in ClinVar:

NM_000204.5(CFI):c.893del (p.Ser298fs)

Gene: CFI (complement factor I; minus strand). Cytogenetic location: 4q25.
Variant type: Deletion.
Coding change: c.893del on transcript NM_000204.5 (MANE Select); coding-DNA position 893, one base deleted (C; older notation c.893delC).
Protein change: p.Ser298fs; shifts the reading frame from serine 298.
Molecular consequence: frameshift variant. On other transcripts: non-coding transcript variant (3), intron variant (4).
Genome position (GRCh38, 1-based): chr4:109,757,774, G deleted on the plus strand (C on the coding strand, the reverse complement: CFI is on the minus strand). VCF-style (leftmost placement, unchanged base first): chr4-109757773-AG-A. GRCh37 (hg19) VCF-style: chr4-110678929-AG-A.
Other names: c.917del, p.Ser306fs (NM_001318057.2, NM_001375278.1); c.893del, p.Ser298fs (NM_001375279.1, NM_001375281.1); c.284del, p.Ser95fs (NM_001375284.1); c.883+2496del (NM_001375282.1, NM_001375280.1, NM_001375283.1 and 1 more transcripts); short protein forms S306fs, S298fs, S95fs.
Identifiers: ClinVar variation 2734669 (VCV002734669.4), dbSNP rs1381469349, ClinGen allele CA785235457.

ClinVar aggregate classification (germline): Pathogenic/Pathogenic, low penetrance. Review status: criteria provided, multiple submitters, no conflicts (2 of 4 stars). 2 submissions from 2 submitters: Pathogenic (1); Pathogenic, low penetrance (1). Last evaluated 2025-09-26.

Conditions:
Atypical hemolytic-uremic syndrome. Identifiers: Orphanet 2134, MedGen C2931788, MONDO:0016244.

Allele frequency attached by ClinVar (database versions not stated): gnomAD exomes below 0.00001; gnomAD 0.00001; TOPMed 0.00001.

Submissions (2):

Genomenon, Inc
Classification: Pathogenic, low penetrance for Atypical hemolytic-uremic syndrome. Last evaluated: 2025-09-26. Review status: criteria provided, single submitter. Criteria: Genomenon Sequence Variant Interpretation Standards - Updated. Collection method: curation. Allele origin: germline. Affected: yes.
Comment: CFI p.Ser298LeufsTer2 (c.893del) is a frameshift variant that results in the production of a truncated protein which is predicted to undergo nonsense-mediated mRNA decay. This variant has been observed in at least one proband affected with atypical hemolytic-uremic syndrome (PMID:15917334). At least one functional study has demonstrated a substantial alteration in protein function relative to the wild-type (PMID:19877009). It is absent or not present at a significant frequency in gnomAD. In conclusion, we classify CFI p.Ser298LeufsTer2 (c.893del) as a pathogenic, low penetrance variant.

Labcorp Genetics (formerly Invitae), Labcorp
Classification: Pathogenic. Last evaluated: 2024-12-08. Review status: criteria provided, single submitter. Criteria: Invitae Variant Classification Sherloc (09022015). Collection method: clinical testing. Allele origin: germline.
Comment: This sequence change creates a premature translational stop signal (p.Ser298Leufs*10) in the CFI gene. It is expected to result in an absent or disrupted protein product. Loss-of-function variants in CFI are known to be pathogenic (PMID: 15917334, 16621965, 19065647, 20016463, 22710145). This variant is not present in population databases (gnomAD no frequency). This premature translational stop signal has been observed in individual(s) with hemolytic uremic syndrome (PMID: 15917334). ClinVar contains an entry for this variant (Variation ID: 2734669). Algorithms developed to predict the effect of variants on gene product structure and function are not available or were not evaluated for this variant. Experimental studies have shown that this premature translational stop signal affects CFI function (PMID: 19877009). Algorithms developed to predict the effect of sequence changes on RNA splicing suggest that this variant may disrupt the consensus splice site. For these reasons, this variant has been classified as Pathogenic.

Literature cited by the submitters: PubMed 15917334 (cited by Genomenon, Inc and Labcorp Genetics (formerly Invitae), Labcorp); 19877009 (cited by Genomenon, Inc); PubMed 16621965 (cited by Labcorp Genetics (formerly Invitae), Labcorp); PubMed 19065647 (cited by Labcorp Genetics (formerly Invitae), Labcorp); PubMed 20016463 (cited by Labcorp Genetics (formerly Invitae), Labcorp); PubMed 22710145 (cited by Labcorp Genetics (formerly Invitae), Labcorp); PubMed 19877009 (cited by Labcorp Genetics (formerly Invitae), Labcorp).